The following is an entry in ClinVar:

ClinVar aggregate classification (germline): Uncertain significance (1 of 4 stars; one submission).

Submission:

Ambry Genetics
Classification: Uncertain significance. Last evaluated: 2023-07-26. Review status: criteria provided, single submitter. Criteria: Ambry Variant Classification Scheme 2023. Collection method: clinical testing. Allele origin: germline.
Comment: The p.N2353D variant (also known as c.7057A>G), located in coding exon 25 of the POLQ gene, results from an A to G substitution at nucleotide position 7057. The asparagine at codon 2353 is replaced by aspartic acid, an amino acid with highly similar properties. This amino acid position is conserved. In addition, the in silico prediction for this alteration is inconclusive. Since supporting evidence is limited at this time, the clinical significance of this alteration remains unclear.

NM_199420.4(POLQ):c.7057A>G (p.Asn2353Asp)

Gene: POLQ (DNA polymerase theta; minus strand). Cytogenetic location: 3q13.33.
Variant type: single nucleotide variant.
Coding change: c.7057A>G on transcript NM_199420.4 (MANE Select); coding-DNA position 7057, A replaced by G.
Protein change: p.Asn2353Asp; replaces asparagine 2353 with aspartic acid.
Molecular consequence: missense variant.
Genome position (GRCh38, 1-based): chr3:121,460,145, T>C on the plus strand (A>G on the coding strand, the complement: POLQ is on the minus strand). VCF-style: chr3-121460145-T-C. GRCh37 (hg19) VCF-style: chr3-121178992-T-C.
Other names: short protein forms N2353D.
Identifiers: ClinVar variation 2625840 (VCV002625840.2), dbSNP rs2546764759, ClinGen allele CA354107263.